The following is an entry in ClinVar:

NM_000433.4(NCF2):c.1554T>G (p.Asp518Glu)

Gene: NCF2 (neutrophil cytosolic factor 2; minus strand). Cytogenetic location: 1q25.3.
Variant type: single nucleotide variant.
Coding change: c.1554T>G on transcript NM_000433.4 (MANE Select); coding-DNA position 1554, T replaced by G.
Protein change: p.Asp518Glu; replaces aspartic acid 518 with glutamic acid.
Molecular consequence: missense variant.
Genome position (GRCh38, 1-based): chr1:183,556,145, A>C on the plus strand (T>G on the coding strand, the complement: NCF2 is on the minus strand). VCF-style: chr1-183556145-A-C. GRCh37 (hg19) VCF-style: chr1-183525280-A-C.
Other names: c.1554T>G, p.Asp518Glu (NM_001127651.3); c.1311T>G, p.Asp437Glu (NM_001190789.2); c.1419T>G, p.Asp473Glu (NM_001190794.2); short protein forms D473E, D518E, D437E.
Identifiers: ClinVar variation 1377347 (VCV001377347.3), dbSNP rs534490818, ClinGen allele CA1284568.

ClinVar aggregate classification (germline): Uncertain significance (1 of 4 stars; one submission).

Conditions:
Granulomatous disease, chronic, autosomal recessive, cytochrome b-positive, type 2. Also called: GRANULOMATOUS DISEASE, CHRONIC, AUTOSOMAL RECESSIVE, 2; CGD, AUTOSOMAL RECESSIVE CYTOCHROME b-POSITIVE, TYPE II; GRANULOMATOUS DISEASE, CHRONIC, DUE TO NCF2 DEFICIENCY; Chronic granulomatous disease due to deficiency of NCF-2; Chronic Granulomatous Disease, Autosomal Recessive, Cytochrome b-Positive, Type II. Identifiers: Orphanet 379, MedGen C1856245, MONDO:0009310, OMIM 233710.

Allele frequency attached by ClinVar (database versions not stated): gnomAD 0.00001; gnomAD exomes 0.00001 and 0.00002; ExAC 0.00003; 1000 Genomes Project 0.00020; 1000 Genomes Project 30x 0.00031.
gnomAD v4.1: 15 of 1,614,188 alleles (0.00093%); highest among the groups gnomAD compares: Middle Eastern, 0.016%; no homozygotes.

Submission:

Labcorp Genetics (formerly Invitae), Labcorp
Classification: Uncertain significance for Granulomatous disease, chronic, autosomal recessive, cytochrome b-positive, type 2. Last evaluated: 2021-08-11. Review status: criteria provided, single submitter. Criteria: Invitae Variant Classification Sherloc (09022015). Collection method: clinical testing. Allele origin: germline.
Comment: This sequence change replaces aspartic acid with glutamic acid at codon 518 of the NCF2 protein (p.Asp518Glu). The aspartic acid residue is moderately conserved and there is a small physicochemical difference between aspartic acid and glutamic acid. This variant is present in population databases (rs534490818, ExAC 0.02%). This variant has not been reported in the literature in individuals affected with NCF2-related conditions. Algorithms developed to predict the effect of missense changes on protein structure and function (SIFT, PolyPhen-2, Align-GVGD) all suggest that this variant is likely to be tolerated. In summary, the available evidence is currently insufficient to determine the role of this variant in disease. Therefore, it has been classified as a Variant of Uncertain Significance.